The following is an entry in ClinVar:

ClinVar aggregate classification (germline): Pathogenic/Likely pathogenic. Review status: criteria provided, multiple submitters, no conflicts (2 of 4 stars). 2 submissions from 2 submitters: Pathogenic (1); Likely pathogenic (1). Last evaluated 2025-09-02.

Conditions:
Developmental and epileptic encephalopathy, 11 (DEE11). Also called: Early infantile epileptic encephalopathy 11. Identifiers: Orphanet 1934, MedGen C3150987, MONDO:0013388, OMIM 613721.
Seizures, benign familial infantile, 3 (BFIS3). Also called: CONVULSIONS, BENIGN FAMILIAL INFANTILE, 3; Familial neonatal seizures. Identifiers: Orphanet 140927, Orphanet 306, MedGen C1843140, MONDO:0011904, OMIM 607745.

Submissions (2):

3billion
Classification: Likely pathogenic for Developmental and epileptic encephalopathy, 11. Last evaluated: 2025-09-02. Review status: criteria provided, single submitter. Criteria: ACMG Guidelines, 2015. Collection method: clinical testing. Allele origin: germline. Affected: yes.
Comment: The variant is not observed in the gnomAD v4.1.0 dataset. Predicted Consequence/Location: Missense variant In silico tool predictions suggest damaging effect of the variant on gene or gene product [REVEL: 0.91 (>=0.6, sensitivity 0.68 and specificity 0.92); 3Cnet: 1.00 (> 0.75, sensitivity 0.96 and precision 0.92)]. The same nucleotide change resulting in the same amino acid change has been previously reported to be associated with SCN2A-related disorder (ClinVar ID: VCV000644178).The variant has been previously reported as assumed (i.e. paternity and maternity not confirmed) de novo in at least one similarly affected unrelated individual (3billion dataset). Therefore, this variant is classified as Likely pathogenic according to the recommendation of ACMG/AMP guideline.

Labcorp Genetics (formerly Invitae), Labcorp
Classification: Pathogenic for Seizures, benign familial infantile, 3; Developmental and epileptic encephalopathy, 11. Last evaluated: 2023-05-08. Review status: criteria provided, single submitter. Criteria: Invitae Variant Classification Sherloc (09022015). Collection method: clinical testing. Allele origin: germline.
Comment: This variant is not present in population databases (gnomAD no frequency). For these reasons, this variant has been classified as Pathogenic. Advanced modeling of protein sequence and biophysical properties (such as structural, functional, and spatial information, amino acid conservation, physicochemical variation, residue mobility, and thermodynamic stability) performed at Invitae indicates that this missense variant is expected to disrupt SCN2A protein function. ClinVar contains an entry for this variant (Variation ID: 644178). This missense change has been observed in individual(s) with SCN2A-related disorders (Invitae). In at least one individual the variant was observed to be de novo. This sequence change replaces proline, which is neutral and non-polar, with serine, which is neutral and polar, at codon 360 of the SCN2A protein (p.Pro360Ser).

NM_001040142.2(SCN2A):c.1078C>T (p.Pro360Ser)

Gene: SCN2A (sodium voltage-gated channel alpha subunit 2; plus strand). Cytogenetic location: 2q24.3.
Variant type: single nucleotide variant.
Coding change: c.1078C>T on transcript NM_001040142.2 (MANE Select); coding-DNA position 1078, C replaced by T.
Protein change: p.Pro360Ser; replaces proline 360 with serine.
Molecular consequence: missense variant.
Genome position (GRCh38, 1-based): chr2:165,313,663, C>T. VCF-style: chr2-165313663-C-T. GRCh37 (hg19) VCF-style: chr2-166170173-C-T.
Other names: c.1078C>T, p.Pro360Ser (NM_001040143.2, NM_001371246.1, NM_001371247.1 and 1 more transcripts); short protein forms P360S.
Identifiers: ClinVar variation 644178 (VCV000644178.10), dbSNP rs1574566768, ClinGen allele CA349020500.
Genomic context (GRCh38, chr2:165,313,663, plus strand): 5'-CTCTAACCTAATTATAGCCAGTGTCCTGAAGGATACATCTGTGTGAAGGCTGGTAGAAAC[C>T]CCAACTATGGCTACACGAGCTTTGACACCTTTAGTTGGGCCTTTTTGTCCTTATTTCGTC-3'
Protein context (NP_001035232.1, residues 350-370): GYICVKAGRN[Pro360Ser]NYGYTSFDTF